The following is an entry in ClinVar:

ClinVar aggregate classification (germline): Likely benign. Review status: criteria provided, multiple submitters, no conflicts (2 of 4 stars). 3 submissions from 3 submitters: Likely benign (3). Last evaluated 2026-10-01.

Allele frequency attached by ClinVar (database versions not stated): ExAC 0.00001; gnomAD exomes 0.00001.

Submissions (3):

CeGaT Center for Human Genetics Tuebingen
Classification: Likely benign. Last evaluated: 2026-10-01. Review status: criteria provided, single submitter. Criteria: CeGaT Center For Human Genetics Tuebingen Variant Classification Criteria Version 2. Collection method: clinical testing. Allele origin: germline. Affected: yes. Observed: 1 variant allele.
Comment: CDHR1: BP4, BP7

Blueprint Genetics
Classification: Likely benign. Last evaluated: 2024-11-21. Review status: criteria provided, single submitter. Criteria: ACMG Guidelines, 2015. Collection method: clinical testing. Allele origin: germline.

Labcorp Genetics (formerly Invitae), Labcorp
Classification: Likely benign. Last evaluated: 2022-02-23. Review status: criteria provided, single submitter. Criteria: Invitae Variant Classification Sherloc (09022015). Collection method: clinical testing. Allele origin: germline.

NM_033100.4(CDHR1):c.1240C>T (p.Leu414=)

Gene: CDHR1 (cadherin related family member 1; plus strand). Cytogenetic location: 10q23.1.
Variant type: single nucleotide variant.
Coding change: c.1240C>T on transcript NM_033100.4 (MANE Select); coding-DNA position 1240, C replaced by T.
Protein change: p.Leu414=; no amino-acid change (leucine 414 retained).
Molecular consequence: synonymous variant.
Genome position (GRCh38, 1-based): chr10:84,208,801, C>T. VCF-style: chr10-84208801-C-T. GRCh37 (hg19) VCF-style: chr10-85968557-C-T.
Other names: c.1240C>T, p.Leu414= (NM_001171971.3).
Identifiers: ClinVar variation 1614658 (VCV001614658.10), dbSNP rs748724996, ClinGen allele CA5579887.
Genomic context (GRCh38, chr10:84,208,801, plus strand): 5'-AAATTCAACTTGCAGCTGGTGGGACCCAGGGGCATCTTCCGAGTGGTTCCACAGACAGTC[C>T]TGAATGAAGCCCAAGTCACAATCATTGTGGAGAACTCAGCTGCCATTGACTTTGAAAAGT-3'
Protein context (NP_149091.1, residues 404-424): GIFRVVPQTV[Leu414=]NEAQVTIIVE